The following is an entry in ClinVar:

ClinVar aggregate classification (germline): Uncertain significance (1 of 4 stars; one submission).

Submission:

Labcorp Genetics (formerly Invitae), Labcorp
Classification: Uncertain significance. Last evaluated: 2021-06-18. Review status: criteria provided, single submitter. Criteria: Invitae Variant Classification Sherloc (09022015). Collection method: clinical testing. Allele origin: germline.
Comment: A copy number gain of the genomic region encompassing the full coding sequence of the IMPAD1 gene has been identified. The boundaries of this event are unknown as they extend beyond the assayed region for this gene and therefore may encompass additional genes. As the precise location of this event is unknown, it may be in tandem or it may be located elsewhere in the genome. This variant has not been reported in the literature in individuals with IMPAD1-related conditions. In summary, the available evidence is currently insufficient to determine the role of this variant in disease. Therefore, it has been classified as a Variant of Uncertain Significance.

NC_000008.10:g.(?_57876352)_(57906144_?)dup

Gene: BPNT2 (3'(2'), 5'-bisphosphate nucleotidase 2; minus strand). Cytogenetic location: 8q12.1.
Variant type: Duplication.
Identifiers: ClinVar variation 1681022 (VCV001681022.3).